The following is an entry in ClinVar:

NM_000138.5(FBN1):c.1678G>A (p.Gly560Ser)

Gene: FBN1 (fibrillin 1; minus strand). Cytogenetic location: 15q21.1.
Variant type: single nucleotide variant.
Coding change: c.1678G>A on transcript NM_000138.5 (MANE Select); coding-DNA position 1678, G replaced by A.
Protein change: p.Gly560Ser; replaces glycine 560 with serine.
Molecular consequence: missense variant.
Genome position (GRCh38, 1-based): chr15:48,510,080, C>T on the plus strand (G>A on the coding strand, the complement: FBN1 is on the minus strand). VCF-style: chr15-48510080-C-T. GRCh37 (hg19) VCF-style: chr15-48802277-C-T.
Other names: short protein forms G560S.
Identifiers: ClinVar variation 420087 (VCV000420087.7), dbSNP rs1064794283, ClinGen allele CA16619973.

ClinVar aggregate classification (germline): Conflicting classifications of pathogenicity. Review status: criteria provided, conflicting classifications (1 of 4 stars). 4 submissions from 4 submitters: Pathogenic (2); Uncertain significance (1). 1 of the submissions does not count toward it. Last evaluated 2022-07-29.

Conditions:
Marfan syndrome (MFS). Also called: FBN1-Related Marfan Syndrome; MARFAN SYNDROME, TYPE I; Marfan syndrome type 1; Marfan's syndrome; Marfan syndrome, classic. Identifiers: Orphanet 284963, Orphanet 558, MedGen C0024796, MONDO:0007947, OMIM 154700.
Familial thoracic aortic aneurysm and aortic dissection (TAAD). Also called: Thoracic aortic aneurysms and dissections. Identifiers: Orphanet 91387, MedGen C4707243, MONDO:0019625.

Submissions (4):

Labcorp Genetics (formerly Invitae), Labcorp
Classification: Pathogenic for Marfan syndrome; Familial thoracic aortic aneurysm and aortic dissection. Last evaluated: 2022-07-29. Review status: criteria provided, single submitter. Criteria: Invitae Variant Classification Sherloc (09022015). Collection method: clinical testing. Allele origin: germline.
Comment: Advanced modeling of protein sequence and biophysical properties (such as structural, functional, and spatial information, amino acid conservation, physicochemical variation, residue mobility, and thermodynamic stability) performed at Invitae indicates that this missense variant is expected to disrupt FBN1 protein function. ClinVar contains an entry for this variant (Variation ID: 420087). This missense change has been observed in individual(s) with Marfan syndrome (PMID: 11700157). This variant is not present in population databases (gnomAD no frequency). This sequence change replaces glycine, which is neutral and non-polar, with serine, which is neutral and polar, at codon 560 of the FBN1 protein (p.Gly560Ser). This variant disrupts the p.Gly560 amino acid residue in FBN1. Other variant(s) that disrupt this residue have been determined to be pathogenic (PMID: 25101912; Invitae). This suggests that this residue is clinically significant, and that variants that disrupt this residue are likely to be disease-causing. For these reasons, this variant has been classified as Pathogenic.

GeneDx
Classification: Uncertain significance. Last evaluated: 2018-09-27. Review status: criteria provided, single submitter. Criteria: GeneDx Variant Classification (06012015). Collection method: clinical testing. Allele origin: germline. Affected: yes.
Comment: A variant of uncertain significance has been identified in the FBN1 gene. However, specific clinical details and segregation studies were not described for this individual. Nevertheless, the G560S variant has not been observed in large population cohorts (Lek et al., 2016; 1000 Genomes Consortium et al., 2015; Exome Variant Server). Additionally, G560S is a non-conservative amino acid substitution, which is likely to impact secondary protein structure as these residues differ in polarity, charge, size and/or other properties. Furthermore, this substitution occurs within a calcium-binding (cb) EGF-like domain at a position that is conserved across species, and in silico analysis predicts this variant is probably damaging to the protein structure/function. The G560S variant does not affect a Cysteine residue within a cb-EGF-like domain of the FBN1 gene, which is the most common mechanism of pathogenic missense changes associated with FBN1-related disorders (Collod-Beroud et al., 2003). However, this substitution does occur at a position in which Glycine is strongly conserved across different FBN1 cb-EGF-like domains, indicating it may be a structurally and/or functionally important residue. Furthermore, a missense variant at the same residue in the FBN1 gene (G560D) has been reported in association with Marfan syndrome (Baudhuin et al., 2015), however, the clinical significance of this variant also remains to be definitively determined.

Clinical Genetics Service, Universitary Hospital 12 de Octubre
Classification: Pathogenic for Marfan syndrome. Review status: criteria provided, single submitter. Criteria: ACMG Guidelines, 2015. Collection method: clinical testing. Allele origin: germline. Affected: yes.

Center for Medical Genetics Ghent, University of Ghent
Classification: Likely pathogenic for Marfan syndrome. Last evaluated: 2017-11-07. Review status: no assertion criteria provided. Collection method: clinical testing. Allele origin: germline. Affected: yes. Not counted in ClinVar's aggregate classification.

Literature cited by the submitters: PubMed 11700157 (cited by Labcorp Genetics (formerly Invitae), Labcorp); PubMed 25101912 (cited by Labcorp Genetics (formerly Invitae), Labcorp).